The following is an entry in ClinVar:

NM_020791.4(TAOK1):c.2578C>T (p.Arg860Cys)

Gene: TAOK1 (TAO kinase 1; plus strand). Cytogenetic location: 17q11.2.
Variant type: single nucleotide variant.
Coding change: c.2578C>T on transcript NM_020791.4 (MANE Select); coding-DNA position 2578, C replaced by T.
Protein change: p.Arg860Cys; replaces arginine 860 with cysteine.
Molecular consequence: missense variant.
Genome position (GRCh38, 1-based): chr17:29,542,594, C>T. VCF-style: chr17-29542594-C-T. GRCh37 (hg19) VCF-style: chr17-27869612-C-T.
Other names: p.Arg860Cys; c.2578C>T (NM_020791.2); c.2134C>T, p.Arg712Cys (NM_025142.1); short protein forms R712C, R860C.
Identifiers: ClinVar variation 2502371 (VCV002502371.4), dbSNP rs1567750713, ClinGen allele CA398918494.

ClinVar aggregate classification (germline): Uncertain significance. Review status: criteria provided, multiple submitters, no conflicts (2 of 4 stars). 3 submissions from 3 submitters: Uncertain significance (3). Last evaluated 2025-11-26.

Conditions:
Inborn genetic diseases. Identifiers: MedGen C0950123, MeSH D030342.
Developmental delay with or without intellectual impairment or behavioral abnormalities. Identifiers: MedGen C5562004, MONDO:0859199, OMIM 619575.

Allele frequency attached by ClinVar (database versions not stated): gnomAD exomes below 0.00001; TOPMed below 0.00001.
gnomAD v4.1: 4 of 1,611,360 alleles (0.00025%); highest among the groups gnomAD compares: South Asian, 0.0011%; no homozygotes.

Submissions (3):

Ambry Genetics
Classification: Uncertain significance for Inborn genetic diseases. Last evaluated: 2025-11-26. Review status: criteria provided, single submitter. Criteria: Ambry Variant Classification Scheme 2023. Collection method: clinical testing. Allele origin: germline.

GeneDx
Classification: Uncertain significance. Last evaluated: 2023-05-28. Review status: criteria provided, single submitter. Criteria: GeneDx Variant Classification Process June 2021. Collection method: clinical testing. Allele origin: germline. Affected: yes.
Comment: Not observed at significant frequency in large population cohorts (gnomAD); In silico analysis supports that this missense variant has a deleterious effect on protein structure/function; Has not been previously published as pathogenic or benign to our knowledge

Foundation for Research in Genetics and Endocrinology, FRIGE's Institute of Human Genetics
Classification: Uncertain significance for Developmental delay with or without intellectual impairment or behavioral abnormalities. Last evaluated: 2023-05-18. Review status: criteria provided, single submitter. Criteria: ACMG Guidelines, 2015. Collection method: clinical testing. Allele origin: germline. Inheritance: Autosomal dominant inheritance. Affected: yes. Observed: 1 heterozygote.
Comment: A heterozygous missense variant in exon 20 of the TAOK1 gene that results in the amino acid substitution of Cysteine for Arginine at codon 860 (p.Arg860Cys) was detected. This variant has not been reported in the 1000 genomes, gnomAD (v3.1), gnomdAD (v2.1) and has a minor allele frequency of 0.0003% in the topmed database. The in silico predictions of the variant are probably damaging by PolyPhen-2 (HumDiv) and damaging by SIFT and LRT. The reference codon is conserved across species. In summary, the variant meets our criteria to be classified as a variant of uncertain significance.